The following is an entry in ClinVar:

ClinVar aggregate classification (germline): Uncertain significance (1 of 4 stars; one submission).

Conditions:
Juvenile onset Parkinson disease 19A. Also called: PARK19; DNAJC6 Parkinson Disease. Identifiers: Orphanet 391411, MedGen C3809811, MONDO:0014231, OMIM 615528.

Allele frequency attached by ClinVar (database versions not stated): gnomAD exomes below 0.00001 and 0.00001; ExAC 0.00002; ESP Exome Variant Server 0.00008.
gnomAD v4.1: 2 of 1,613,954 alleles (0.00012%); highest among the groups gnomAD compares: African/African-American, 0.0013%; no homozygotes.

Submission:

Labcorp Genetics (formerly Invitae), Labcorp
Classification: Uncertain significance for Juvenile onset Parkinson disease 19A. Last evaluated: 2021-04-28. Review status: criteria provided, single submitter. Criteria: Invitae Variant Classification Sherloc (09022015). Collection method: clinical testing. Allele origin: germline.
Comment: In summary, the available evidence is currently insufficient to determine the role of this variant in disease. Therefore, it has been classified as a Variant of Uncertain Significance. Nucleotide substitutions within the consensus splice site are a relatively common cause of aberrant splicing (PMID: 17576681, 9536098). Algorithms developed to predict the effect of sequence changes on RNA splicing suggest that this variant may disrupt the consensus splice site, but this prediction has not been confirmed by published transcriptional studies. This variant has not been reported in the literature in individuals with DNAJC6-related conditions. This variant is present in population databases (rs371583880, ExAC 0.01%). This sequence change falls in intron 14 of the DNAJC6 gene. It does not directly change the encoded amino acid sequence of the DNAJC6 protein. It affects a nucleotide within the consensus splice site of the intron.

Literature cited by the submitters: PubMed 17576681; PubMed 9536098.

NM_001256864.2(DNAJC6):c.2107+3A>G

Gene: DNAJC6 (DnaJ heat shock protein family (Hsp40) member C6; plus strand). Cytogenetic location: 1p31.3.
Variant type: single nucleotide variant.
Coding change: c.2107+3A>G on transcript NM_001256864.2 (MANE Select); 3 bases into the intron after coding-DNA position 2107, A replaced by G.
Molecular consequence: intron variant.
Genome position (GRCh38, 1-based): chr1:65,398,884, A>G. VCF-style: chr1-65398884-A-G. GRCh37 (hg19) VCF-style: chr1-65864567-A-G.
Other names: c.1897+3A>G (NM_001256865.2); c.1936+3A>G (NM_014787.4).
Identifiers: ClinVar variation 1408118 (VCV001408118.6), dbSNP rs371583880, ClinGen allele CA894074.
Genomic context (GRCh38, chr1:65,398,884, plus strand): 5'-CCTGCTGTGAACATTCAGCCAGATGTTTCTGGAGGTTGGGACTGGCATGCTAAACCAGGT[A>G]AAAGCAGGTTATTTTCTGTACACATTTATATAATTGCAAAAGCATAATCCTTACCCAAGA-3'